The following is an entry in ClinVar:

NM_021803.4(IL21):c.319C>G (p.Pro107Ala)

Gene: IL21 (interleukin 21; minus strand). Cytogenetic location: 4q27.
Variant type: single nucleotide variant.
Coding change: c.319C>G on transcript NM_021803.4 (MANE Select); coding-DNA position 319, C replaced by G.
Protein change: p.Pro107Ala; replaces proline 107 with alanine.
Molecular consequence: missense variant.
Genome position (GRCh38, 1-based): chr4:122,615,723, G>C on the plus strand (C>G on the coding strand, the complement: IL21 is on the minus strand). VCF-style: chr4-122615723-G-C. GRCh37 (hg19) VCF-style: chr4-123536878-G-C.
Other names: c.319C>G, p.Pro107Ala (NM_001207006.3); short protein forms P107A.
Identifiers: ClinVar variation 948791 (VCV000948791.6), dbSNP rs1351594510, ClinGen allele CA358221220.

ClinVar aggregate classification (germline): Uncertain significance (1 of 4 stars; one submission).

Allele frequency attached by ClinVar (database versions not stated): TOPMed below 0.00001.

Submission:

Labcorp Genetics (formerly Invitae), Labcorp
Classification: Uncertain significance. Last evaluated: 2019-04-23. Review status: criteria provided, single submitter. Criteria: Invitae Variant Classification Sherloc (09022015). Collection method: clinical testing. Allele origin: germline.
Comment: This sequence change replaces proline with alanine at codon 107 of the IL21 protein (p.Pro107Ala). The proline residue is weakly conserved and there is a small physicochemical difference between proline and alanine. This variant is not present in population databases (ExAC no frequency). This variant has not been reported in the literature in individuals with IL21-related conditions. Algorithms developed to predict the effect of missense changes on protein structure and function (SIFT, PolyPhen-2, Align-GVGD) all suggest that this variant is likely to be tolerated, but these predictions have not been confirmed by published functional studies and their clinical significance is uncertain. In summary, the available evidence is currently insufficient to determine the role of this variant in disease. Therefore, it has been classified as a Variant of Uncertain Significance.